The following is an entry in ClinVar:

ClinVar aggregate classification (germline): Conflicting classifications of pathogenicity. Review status: criteria provided, conflicting classifications (1 of 4 stars). 3 submissions from 3 submitters: Uncertain significance (1); Likely benign (1). 1 of the submissions does not count toward it. Last evaluated 2025-09-01.

Conditions:
KIDINS220-related disorder. Also called: KIDINS220-related condition.

Allele frequency attached by ClinVar (database versions not stated): gnomAD 0.00005; TOPMed 0.00007; ExAC 0.00008; gnomAD exomes 0.00018; ESP Exome Variant Server 0.00024.
gnomAD v4.1: 267 of 1,614,044 alleles (0.017%); highest among the groups gnomAD compares: Non-Finnish European, 0.022%; no homozygotes.

Submissions (3):

CeGaT Center for Human Genetics Tuebingen
Classification: Likely benign. Last evaluated: 2025-09-01. Review status: criteria provided, single submitter. Criteria: CeGaT Center For Human Genetics Tuebingen Variant Classification Criteria Version 2. Collection method: clinical testing. Allele origin: germline. Affected: yes. Observed: 2 variant alleles.
Comment: KIDINS220: BP4

Labcorp Genetics (formerly Invitae), Labcorp
Classification: Uncertain significance. Last evaluated: 2023-03-17. Review status: criteria provided, single submitter. Criteria: Invitae Variant Classification Sherloc (09022015). Collection method: clinical testing. Allele origin: germline.
Comment: This sequence change replaces glutamine, which is neutral and polar, with glutamic acid, which is acidic and polar, at codon 1227 of the KIDINS220 protein (p.Gln1227Glu). This variant is present in population databases (rs367886108, gnomAD 0.01%). This variant has not been reported in the literature in individuals affected with KIDINS220-related conditions. An algorithm developed to predict the effect of missense changes on protein structure and function (PolyPhen-2) suggests that this variant is likely to be tolerated. In summary, the available evidence is currently insufficient to determine the role of this variant in disease. Therefore, it has been classified as a Variant of Uncertain Significance.

PreventionGenetics, part of Exact Sciences
Classification: Uncertain significance for KIDINS220-related condition. Last evaluated: 2024-06-18. Review status: no assertion criteria provided. Collection method: clinical testing. Allele origin: germline. Not counted in ClinVar's aggregate classification.
Comment: The KIDINS220 c.3679C>G variant is predicted to result in the amino acid substitution p.Gln1227Glu. To our knowledge, this variant has not been reported in the literature. This variant is reported in 0.016% of alleles in individuals of European (Non-Finnish) descent in gnomAD. At this time, the clinical significance of this variant is uncertain due to the absence of conclusive functional and genetic evidence.

NM_020738.4(KIDINS220):c.3679C>G (p.Gln1227Glu)

Gene: KIDINS220 (kinase D interacting substrate 220; minus strand). Cytogenetic location: 2p25.1.
Variant type: single nucleotide variant.
Coding change: c.3679C>G on transcript NM_020738.4 (MANE Select); coding-DNA position 3679, C replaced by G.
Protein change: p.Gln1227Glu; replaces glutamine 1227 with glutamic acid.
Molecular consequence: missense variant. On other transcripts: non-coding transcript variant (2).
Genome position (GRCh38, 1-based): chr2:8,736,906, G>C on the plus strand (C>G on the coding strand, the complement: KIDINS220 is on the minus strand). VCF-style: chr2-8736906-G-C. GRCh37 (hg19) VCF-style: chr2-8877036-G-C.
Other names: c.3682C>G, p.Gln1228Glu (NM_001348729.2); c.3625C>G, p.Gln1209Glu (NM_001348731.2); c.3622C>G, p.Gln1208Glu (NM_001348732.2, NM_001348738.2); c.3511C>G, p.Gln1171Glu (NM_001348734.2, NM_001348739.2, NM_001348740.2); c.3508C>G, p.Gln1170Glu (NM_001348735.2, NM_001348741.2, NM_001348742.2 and 1 more transcripts); c.3382C>G, p.Gln1128Glu (NM_001348736.2); c.3679C>G (NM_020738.2); short protein forms Q1128E, Q1171E, Q1209E, Q1228E, Q1227E, Q1170E, Q1208E.
Identifiers: ClinVar variation 2892038 (VCV002892038.17), dbSNP rs367886108, ClinGen allele CA1519562.
Genomic context (GRCh38, chr2:8,736,906, plus strand): 5'-CGTGTGTAAGTGGCTGCCTCACCTTTTTGATCGTGGTACAATACTGAGGCAGCATACTCT[G>C]GTCCAGCCCTTCTATTTGTTTCAGCTTCTCACATACTGCATCCACATTCAGTGAATTCAG-3'
Protein context (NP_065789.1, residues 1217-1237): EKLKQIEGLD[Gln1227Glu]SMLPQYCTTI